The following is an entry in ClinVar:

NM_000059.4(BRCA2):c.5314A>G (p.Ile1772Val)

Gene: BRCA2 (BRCA2 DNA repair associated; plus strand). Cytogenetic location: 13q13.1.
Variant type: single nucleotide variant.
Coding change: c.5314A>G on transcript NM_000059.4 (MANE Select); coding-DNA position 5314, A replaced by G.
Protein change: p.Ile1772Val; replaces isoleucine 1772 with valine.
Molecular consequence: missense variant. On other transcripts: non-coding transcript variant (1), intron variant (2).
Genome position (GRCh38, 1-based): chr13:32,339,669, A>G. VCF-style: chr13-32339669-A-G. GRCh37 (hg19) VCF-style: chr13-32913806-A-G.
Other names: c.5314A>G, p.Ile1772Val (NM_001406719.1, NM_001406720.1); c.1910-4889A>G (NM_001406721.1); c.425-4889A>G (NM_001406722.1); short protein forms I1772V.
Identifiers: ClinVar variation 3261601 (VCV003261601.1).

ClinVar aggregate classification (germline): Uncertain significance (1 of 4 stars; one submission).

Conditions:
Hereditary cancer-predisposing syndrome. Also called: Hereditary Cancer Syndrome; Tumor predisposition; Hereditary neoplastic syndrome; Neoplastic Syndromes, Hereditary. Identifiers: Orphanet 140162, MedGen C0027672, MeSH D009386, MONDO:0015356.

gnomAD v4.1: 1 of 1,612,412 alleles (0.000062%); highest among the groups gnomAD compares: Non-Finnish European, 0.000085%; no homozygotes.

Submission:

Ambry Genetics
Classification: Uncertain significance for Hereditary cancer-predisposing syndrome. Last evaluated: 2024-04-23. Review status: criteria provided, single submitter. Criteria: Ambry Variant Classification Scheme 2023. Collection method: clinical testing. Allele origin: germline.
Comment: The p.I1772V variant (also known as c.5314A>G), located in coding exon 10 of the BRCA2 gene, results from an A to G substitution at nucleotide position 5314. The isoleucine at codon 1772 is replaced by valine, an amino acid with highly similar properties. This amino acid position is conserved. In addition, this alteration is predicted to be tolerated by in silico analysis. Based on the available evidence, the clinical significance of this variant remains unclear.